The following is an entry in ClinVar:

NM_052947.4(ALPK2):c.4532G>T (p.Gly1511Val)

Genes: ALPK2 (alpha kinase 2; minus strand), LOC126862764 (BRD4-independent group 4 enhancer GRCh37_chr18:56202574-56203773; plus strand). Cytogenetic location: 18q21.31.
Variant type: single nucleotide variant.
Coding change: c.4532G>T on transcript NM_052947.4 (MANE Select); coding-DNA position 4532, G replaced by T.
Protein change: p.Gly1511Val; replaces glycine 1511 with valine.
Molecular consequence: missense variant.
Genome position (GRCh38, 1-based): chr18:58,535,655, C>A on the plus strand (G>T on the coding strand, the complement: ALPK2 is on the minus strand). VCF-style: chr18-58535655-C-A. GRCh37 (hg19) VCF-style: chr18-56202887-C-A.
Other names: short protein forms G1511V.
Identifiers: ClinVar variation 3530148 (VCV003530148.1).
Genomic context (GRCh38, chr18:58,535,655, plus strand): 5'-TTGTCCTTTTTGCTTTGCTCAGCCTCCCCTAAGCTCCCATCACTGCTTTCTTGTATTTGG[C>A]CTATGCTACATCCACTTGGAATTCTTTCACCGCCTTCGCTGGGTTGCAGGACTTGCCAAA-3'
Protein context (NP_443179.3, residues 1501-1521): GERIPSGCSI[Gly1511Val]QIQESSDGSL

ClinVar aggregate classification (germline): Uncertain significance (1 of 4 stars; one submission).

gnomAD v4.1: 1 of 1,614,232 alleles (0.000062%); highest among the groups gnomAD compares: Non-Finnish European, 0.000085%; no homozygotes.

Submission:

Ambry Genetics
Classification: Uncertain significance. Last evaluated: 2024-07-07. Review status: criteria provided, single submitter. Criteria: Ambry Variant Classification Scheme 2023. Collection method: clinical testing. Allele origin: germline.
Comment: The p.G1511V variant (also known as c.4532G>T), located in coding exon 4 of the ALPK2 gene, results from a G to T substitution at nucleotide position 4532. The glycine at codon 1511 is replaced by valine, an amino acid with dissimilar properties. This amino acid position is conserved. In addition, this alteration is predicted to be tolerated by in silico analysis. Based on the available evidence, the clinical significance of this variant remains unclear.